The following is an entry in ClinVar:

NM_006514.4(SCN10A):c.3304C>T (p.Pro1102Ser)

Genes: SCN10A (sodium voltage-gated channel alpha subunit 10; minus strand), LOC110121288 (VISTA enhancer hs2268; plus strand). Cytogenetic location: 3p22.2.
Variant type: single nucleotide variant.
Coding change: c.3304C>T on transcript NM_006514.4 (MANE Select); coding-DNA position 3304, C replaced by T.
Protein change: p.Pro1102Ser; replaces proline 1102 with serine.
Molecular consequence: missense variant.
Genome position (GRCh38, 1-based): chr3:38,723,478, G>A on the plus strand (C>T on the coding strand, the complement: SCN10A is on the minus strand). VCF-style: chr3-38723478-G-A. GRCh37 (hg19) VCF-style: chr3-38764969-G-A.
Other names: c.3301C>T, p.Pro1101Ser (NM_001293306.2); c.3010C>T, p.Pro1004Ser (NM_001293307.2); short protein forms P1102S, P1004S, P1101S.
Identifiers: ClinVar variation 373671 (VCV000373671.1), dbSNP rs1057518542, ClinGen allele CA16042470.

ClinVar aggregate classification (germline): Uncertain significance (1 of 4 stars; one submission).

Allele frequency attached by ClinVar (database versions not stated): gnomAD exomes below 0.00001.

Submission:

GeneDx
Classification: Uncertain significance. Last evaluated: 2016-11-28. Review status: criteria provided, single submitter. Criteria: GeneDx Variant Classification (06012015). Collection method: clinical testing. Allele origin: germline. Affected: yes.
Comment: A variant of uncertain significance has been identified in the SCN10A gene. The P1102S variant has not been published as pathogenic variant or been reported as a benign to our knowledge. The P1102S variant has not beenobserved at a significant frequency in large population cohorts (Lek et al., 2016; McVean et al., 2012; Exome VariantServer). The P1102S variant is a non-conservative amino acid substitution, which is likely to impact secondaryprotein structure as these residues differ in polarity, charge, size and/or other properties. In silico analysis predicts thisvariant is possibly damaging to the protein structure/function. Nonetheless, this substitution occurs at a position notconserved. Furthermore, no missense variants in nearby residues have been reported in the Human Gene MutationDatabase in association with arrhythmia (Stenson et al., 2014), suggesting that this region is not a known mutationalhot spot or well-established domain in the SCN10A gene. Thus, this variant lacks observation in a significantnumber of affected individuals, segregation data and functional evidence which would further clarify its pathogenicity.Based on the currently available information, it is unclear whether this variant is pathogenic or rare benign.